The following is an entry in ClinVar:

ClinVar aggregate classification (germline): Uncertain significance (1 of 4 stars; one submission).

Conditions:
Amyotrophic lateral sclerosis type 1 (ALS1). Also called: AMYOTROPHIC LATERAL SCLEROSIS 1, FAMILIAL. Identifiers: Orphanet 803, MedGen C1862939, MONDO:0007103, OMIM 105400.
Neuronopathy, distal hereditary motor, type 7B. Also called: HMN VIIB; LOWER MOTOR NEURON DISEASE, DYNACTIN TYPE; NEURONOPATHY, DISTAL HEREDITARY MOTOR, AUTOSOMAL DOMINANT 14; NEURONOPATHY, DISTAL HEREDITARY MOTOR, HARDING TYPE VIIB; NEUROPATHY, DISTAL HEREDITARY MOTOR, HARDING TYPE VIIB; NEUROPATHY, DISTAL HEREDITARY MOTOR, WITH VOCAL CORD PARALYSIS, HARDING TYPE VIIB. Identifiers: Orphanet 139589, MedGen C1843315, MONDO:0011879, OMIM 607641.
Perry syndrome. Also called: PARKINSONISM WITH ALVEOLAR HYPOVENTILATION AND MENTAL DEPRESSION. Identifiers: Orphanet 178509, MedGen C1868594, MONDO:0008201, OMIM 168605.

Submission:

Labcorp Genetics (formerly Invitae), Labcorp
Classification: Uncertain significance for Amyotrophic lateral sclerosis type 1; Neuronopathy, distal hereditary motor, type 7B; Perry syndrome. Last evaluated: 2023-08-09. Review status: criteria provided, single submitter. Criteria: Invitae Variant Classification Sherloc (09022015). Collection method: clinical testing. Allele origin: germline.
Comment: This variant is not present in population databases (gnomAD no frequency). In summary, the available evidence is currently insufficient to determine the role of this variant in disease. Therefore, it has been classified as a Variant of Uncertain Significance. An algorithm developed to predict the effect of missense changes on protein structure and function (PolyPhen-2) suggests that this variant is likely to be tolerated. This variant has not been reported in the literature in individuals affected with DCTN1-related conditions. This sequence change replaces histidine, which is basic and polar, with aspartic acid, which is acidic and polar, at codon 672 of the DCTN1 protein (p.His672Asp).

NM_004082.5(DCTN1):c.2014C>G (p.His672Asp)

Gene: DCTN1 (dynactin subunit 1; minus strand). Cytogenetic location: 2p13.1.
Variant type: single nucleotide variant.
Coding change: c.2014C>G on transcript NM_004082.5 (MANE Select); coding-DNA position 2014, C replaced by G.
Protein change: p.His672Asp; replaces histidine 672 with aspartic acid.
Molecular consequence: missense variant. On other transcripts: non-coding transcript variant (1).
Genome position (GRCh38, 1-based): chr2:74,367,972, G>C on the plus strand (C>G on the coding strand, the complement: DCTN1 is on the minus strand). VCF-style: chr2-74367972-G-C. GRCh37 (hg19) VCF-style: chr2-74595099-G-C.
Other names: c.1954C>G, p.His652Asp (NM_001135040.3); c.1612C>G, p.His538Asp (NM_001135041.3, NM_023019.4); c.1903C>G, p.His635Asp (NM_001190836.2); c.1993C>G, p.His665Asp (NM_001190837.2); c.1963C>G, p.His655Asp (NM_001378991.1); c.1945C>G, p.His649Asp (NM_001378992.1); short protein forms H635D, H649D, H655D, H672D, H652D, H665D, H538D.
Identifiers: ClinVar variation 2950831 (VCV002950831.3), dbSNP rs758935958, ClinGen allele CA347351678.